The following is an entry in ClinVar:

NM_000202.8(IDS):c.138C>A (p.Asp46Glu)

Gene: IDS (iduronate 2-sulfatase; minus strand). Cytogenetic location: Xq28.
Variant type: single nucleotide variant.
Coding change: c.138C>A on transcript NM_000202.8 (MANE Select); coding-DNA position 138, C replaced by A.
Protein change: p.Asp46Glu; replaces aspartic acid 46 with glutamic acid.
Molecular consequence: missense variant. On other transcripts: 5 prime UTR variant (1), non-coding transcript variant (1).
Genome position (GRCh38, 1-based): chrX:149,504,259, G>T on the plus strand (C>A on the coding strand, the complement: IDS is on the minus strand). VCF-style: chrX-149504259-G-T. GRCh37 (hg19) VCF-style: chrX-148585789-G-T.
Other names: p.Asp46Glu; c.-89C>A (NM_001166550.4); c.138C>A, p.Asp46Glu (NM_006123.5); short protein forms D46E.
Identifiers: ClinVar variation 2664501 (VCV002664501.2), dbSNP rs2520901887, ClinGen allele CA414527767.

ClinVar aggregate classification (germline): Pathogenic (1 of 4 stars; one submission).

Conditions:
Mucopolysaccharidosis, MPS-II (MPS2). Also called: Mucopolysaccharidosis with skin involvement; Attenuated MPS (subtype; formerly known as mild MPS II); Severe MPS II; I2S deficiency; MPS 2; Mucopolysaccharidosis type 2. Identifiers: Orphanet 580, Orphanet 79388, MedGen C0026705, MONDO:0010674, OMIM 309900.

Submission:

Foundation for Research in Genetics and Endocrinology, FRIGE's Institute of Human Genetics
Classification: Pathogenic for Mucopolysaccharidosis, MPS-II. Last evaluated: 2023-12-08. Review status: criteria provided, single submitter. Criteria: ACMG Guidelines, 2015. Collection method: clinical testing. Allele origin: germline. Inheritance: X-linked recessive inheritance. Affected: yes. Observed: 1 hemizygote.
Comment: A hemizygous missense variant in exon 2 of the IDS gene that results in the amino acid substitution of Glutamic acid for Aspartic acid at codon 46 was detected. The observed variant c.138C>A (p.Asp46Glu) has not been reported in the 1000 genomes,gnomAD databases. The in-silico predictions of the variant are probably damaging by damaging by SIFT, MutationTaster2, FATHMM and DANN. The reference codon is conserved across species.In summary, the variant meets our criteria to be classified as pathogenic